The following is an entry in ClinVar:

ClinVar aggregate classification (germline): Uncertain significance. Review status: criteria provided, multiple submitters, no conflicts (2 of 4 stars). 3 submissions from 3 submitters: Uncertain significance (3). Last evaluated 2025-10-07.

Conditions:
Inborn genetic diseases. Identifiers: MedGen C0950123, MeSH D030342.
Lymphoproliferative syndrome 2 (LPFS2). Also called: Combined immunodeficiency due to CD27 deficiency; CD27 DEFICIENCY. Identifiers: Orphanet 238505, MedGen C3554540, MONDO:0014054, OMIM 615122.

Allele frequency attached by ClinVar (database versions not stated): ExAC 0.00005; gnomAD exomes 0.00002 and 0.00004; gnomAD 0.00022; ESP Exome Variant Server 0.00031; 1000 Genomes Project 0.00040; TOPMed 0.00024; 1000 Genomes Project 30x 0.00031.
gnomAD v4.1: 65 of 1,613,250 alleles (0.004%); highest among the groups gnomAD compares: African/African-American, 0.08%; no homozygotes.

Submissions (3):

Ambry Genetics
Classification: Uncertain significance for Inborn genetic diseases. Last evaluated: 2025-10-07. Review status: criteria provided, single submitter. Criteria: Ambry Variant Classification Scheme 2023. Collection method: clinical testing. Allele origin: germline.

GeneDx
Classification: Uncertain significance. Last evaluated: 2024-12-09. Review status: criteria provided, single submitter. Criteria: GeneDx Variant Classification Process June 2021. Collection method: clinical testing. Allele origin: germline. Affected: yes.
Comment: In silico analysis indicates that this missense variant does not alter protein structure/function; Has not been previously published as pathogenic or benign to our knowledge

Labcorp Genetics (formerly Invitae), Labcorp
Classification: Uncertain significance for Lymphoproliferative syndrome 2. Last evaluated: 2022-07-26. Review status: criteria provided, single submitter. Criteria: Invitae Variant Classification Sherloc (09022015). Collection method: clinical testing. Allele origin: germline.
Comment: This sequence change replaces alanine, which is neutral and non-polar, with proline, which is neutral and non-polar, at codon 164 of the CD27 protein (p.Ala164Pro). This variant is present in population databases (rs146916740, gnomAD 0.05%). This variant has not been reported in the literature in individuals affected with CD27-related conditions. ClinVar contains an entry for this variant (Variation ID: 1410636). Algorithms developed to predict the effect of missense changes on protein structure and function (SIFT, PolyPhen-2, Align-GVGD) all suggest that this variant is likely to be tolerated. In summary, the available evidence is currently insufficient to determine the role of this variant in disease. Therefore, it has been classified as a Variant of Uncertain Significance.

NM_001242.5(CD27):c.490G>C (p.Ala164Pro)

Genes: CD27 (CD27 molecule; plus strand), CD27-AS1 (CD27 antisense RNA 1; minus strand). Cytogenetic location: 12p13.31.
Variant type: single nucleotide variant.
Coding change: c.490G>C on transcript NM_001242.5 (MANE Select); coding-DNA position 490, G replaced by C.
Protein change: p.Ala164Pro; replaces alanine 164 with proline.
Molecular consequence: missense variant. On other transcripts: non-coding transcript variant (1).
Genome position (GRCh38, 1-based): chr12:6,450,582, G>C. VCF-style: chr12-6450582-G-C. GRCh37 (hg19) VCF-style: chr12-6559748-G-C.
Other names: c.490G>C (NM_001242.4); short protein forms A164P.
Identifiers: ClinVar variation 1410636 (VCV001410636.9), dbSNP rs146916740, ClinGen allele CA6406999.
Genomic context (GRCh38, chr12:6,450,582, plus strand): 5'-TCTGTCTCTGTTTTTCCAGAGATGCTGGAGGCCAGGACAGCTGGGCACATGCAGACTCTG[G>C]CTGACTTCAGGCAGCTGCCTGCCCGGACTCTCTCTACCCACTGGCCACGTGAGTTTTCTC-3'
Protein context (NP_001233.2, residues 154-174): ARTAGHMQTL[Ala164Pro]DFRQLPARTL